The following is an entry in ClinVar:

NM_000081.4(LYST):c.9541A>C (p.Asn3181His)

Gene: LYST (lysosomal trafficking regulator; minus strand). Cytogenetic location: 1q42.3.
Variant type: single nucleotide variant.
Coding change: c.9541A>C on transcript NM_000081.4 (MANE Select); coding-DNA position 9541, A replaced by C.
Protein change: p.Asn3181His; replaces asparagine 3181 with histidine.
Molecular consequence: missense variant.
Genome position (GRCh38, 1-based): chr1:235,720,680, T>G on the plus strand (A>C on the coding strand, the complement: LYST is on the minus strand). VCF-style: chr1-235720680-T-G. GRCh37 (hg19) VCF-style: chr1-235883980-T-G.
Other names: c.9541A>C, p.Asn3181His (NM_001301365.1); short protein forms N3181H.
Identifiers: ClinVar variation 2385121 (VCV002385121.3), dbSNP rs2527448394, ClinGen allele CA344942477.
Genomic context (GRCh38, chr1:235,720,680, plus strand): 5'-TGGATGGATGAACCCTAAAGGTGATGATTCTTTTAACTTACCTGTATATCAACAGATCAT[T>G]GAGGTCAAGTGTCTCACTAACGTAGTCAGCAAGTATAAATGGGAACACAGGATACTGCAT-3'
Protein context (NP_000072.2, residues 3171-3191): ADYVSETLDL[Asn3181His]DLLIYRNLSK

ClinVar aggregate classification (germline): Uncertain significance. Review status: criteria provided, multiple submitters, no conflicts (2 of 4 stars). 2 submissions from 2 submitters: Uncertain significance (2). Last evaluated 2022-11-01.

Conditions:
Inborn genetic diseases. Identifiers: MedGen C0950123, MeSH D030342.
LYST-related disorder. Also called: LYST-related condition.

Allele frequency attached by ClinVar (database versions not stated): gnomAD exomes below 0.00001.
gnomAD v4.1: 2 of 1,613,756 alleles (0.00012%); highest among the groups gnomAD compares: Non-Finnish European, 0.00017%; no homozygotes.

Submissions (2):

PreventionGenetics, part of Exact Sciences
Classification: Uncertain significance for LYST-related condition. Last evaluated: 2022-11-01. Review status: criteria provided, single submitter. Criteria: ACMG Guidelines, 2015. Collection method: clinical testing. Allele origin: germline.
Comment: The LYST c.9541A>C variant is predicted to result in the amino acid substitution p.Asn3181His. To our knowledge, this variant has not been reported in the literature or in a large population database, indicating this variant is rare. At this time, the clinical significance of this variant is uncertain due to the absence of conclusive functional and genetic evidence.

Ambry Genetics
Classification: Uncertain significance for Inborn genetic diseases. Last evaluated: 2021-04-20. Review status: criteria provided, single submitter. Criteria: Ambry Variant Classification Scheme 2023. Collection method: clinical testing. Allele origin: germline.